The following is an entry in ClinVar:

NM_000536.4(RAG2):c.971A>G (p.Asn324Ser)

Gene: RAG2 (recombination activating 2; minus strand). Cytogenetic location: 11p12.
Variant type: single nucleotide variant.
Coding change: c.971A>G on transcript NM_000536.4 (MANE Select); coding-DNA position 971, A replaced by G.
Protein change: p.Asn324Ser; replaces asparagine 324 with serine.
Molecular consequence: missense variant.
Genome position (GRCh38, 1-based): chr11:36,593,198, T>C on the plus strand (A>G on the coding strand, the complement: RAG2 is on the minus strand). VCF-style: chr11-36593198-T-C. GRCh37 (hg19) VCF-style: chr11-36614748-T-C.
Other names: c.971A>G, p.Asn324Ser (NM_001243785.2, NM_001243786.2); short protein forms N324S.
Identifiers: ClinVar variation 2048852 (VCV002048852.4), dbSNP rs761622056, ClinGen allele CA5950496.

ClinVar aggregate classification (germline): Uncertain significance (1 of 4 stars; one submission).

Conditions:
Combined immunodeficiency with skin granulomas. Identifiers: Orphanet 157949, MedGen C2673536, MONDO:0009306, OMIM 233650.
Severe combined immunodeficiency, autosomal recessive, T cell-negative, B cell-negative, NK cell-positive. Also called: SCID, T CELL-NEGATIVE, B CELL-NEGATIVE, NK CELL-POSITIVE; SCID, AR, T-cell negative, B-cell negative, NK cell-positive; Severe combined immunodeficiency due to complete RAG1/2 deficiency. Identifiers: Orphanet 331206, MedGen C1832322, MONDO:0011086, OMIM 601457.

Allele frequency attached by ClinVar (database versions not stated): gnomAD exomes below 0.00001; ExAC 0.00001.
gnomAD v4.1: 1 of 1,614,212 alleles (0.000062%); highest among the groups gnomAD compares: Non-Finnish European, 0.000085%; no homozygotes.

Submission:

Labcorp Genetics (formerly Invitae), Labcorp
Classification: Uncertain significance for Combined immunodeficiency with skin granulomas; Severe combined immunodeficiency, autosomal recessive, T cell-negative, B cell-negative, NK cell-positive. Last evaluated: 2023-07-21. Review status: criteria provided, single submitter. Criteria: Invitae Variant Classification Sherloc (09022015). Collection method: clinical testing. Allele origin: germline.
Comment: Advanced modeling of protein sequence and biophysical properties (such as structural, functional, and spatial information, amino acid conservation, physicochemical variation, residue mobility, and thermodynamic stability) has been performed at Invitae for this missense variant, however the output from this modeling did not meet the statistical confidence thresholds required to predict the impact of this variant on RAG2 protein function. ClinVar contains an entry for this variant (Variation ID: 2048852). This variant has not been reported in the literature in individuals affected with RAG2-related conditions. This variant is present in population databases (rs761622056, gnomAD 0.0009%). This sequence change replaces asparagine, which is neutral and polar, with serine, which is neutral and polar, at codon 324 of the RAG2 protein (p.Asn324Ser). In summary, the available evidence is currently insufficient to determine the role of this variant in disease. Therefore, it has been classified as a Variant of Uncertain Significance.